The following is an entry in ClinVar:

NM_001079802.2(FKTN):c.929A>G (p.Asn310Ser)

Gene: FKTN (fukutin; plus strand). Cytogenetic location: 9q31.2.
Variant type: single nucleotide variant.
Coding change: c.929A>G on transcript NM_001079802.2 (MANE Select); coding-DNA position 929, A replaced by G.
Protein change: p.Asn310Ser; replaces asparagine 310 with serine.
Molecular consequence: missense variant. On other transcripts: non-coding transcript variant (1).
Genome position (GRCh38, 1-based): chr9:105,617,977, A>G. VCF-style: chr9-105617977-A-G. GRCh37 (hg19) VCF-style: chr9-108380258-A-G.
Other names: c.929A>G, p.Asn310Ser (NM_001198963.2, NM_001351496.2, NM_001351498.2 and 1 more transcripts); c.860A>G, p.Asn287Ser (NM_001351497.2); c.533A>G, p.Asn178Ser (NM_001351499.2, NM_001351500.2, NM_001351501.2 and 1 more transcripts); short protein forms N310S, N178S, N287S.
Identifiers: ClinVar variation 238269 (VCV000238269.27), dbSNP rs776639304, ClinGen allele CA5170538.
Genomic context (GRCh38, chr9:105,617,977, plus strand): 5'-CCAAACCTAAATTTTGTTAAAAAAATTTAATCTTCTTTTTAGGATGGTATCGACAATGCA[A>G]CATTATTCCTTATAGCAAAGATGTTGACCTAGGAATTTTTATACAAGATTACAAATCTGA-3'
Protein context (NP_001073270.1, residues 300-320): GTCLGWYRQC[Asn310Ser]IIPYSKDVDL

ClinVar aggregate classification (germline): Conflicting classifications of pathogenicity. Review status: criteria provided, conflicting classifications (1 of 4 stars). 7 submissions from 7 submitters: Uncertain significance (4); Likely benign (2). 1 of the submissions does not count toward it. Last evaluated 2024-09-06.

Conditions:
Walker-Warburg congenital muscular dystrophy. Also called: Muscular dystrophy-dystroglycanopathy, type A; Walker-Warburg syndrome. Identifiers: Orphanet 899, MedGen C0265221, MONDO:0000171.
Cardiovascular phenotype. Identifiers: MedGen CN230736.
Autosomal recessive limb-girdle muscular dystrophy type 2M. Also called: MUSCULAR DYSTROPHY-DYSTROGLYCANOPATHY (LIMB-GIRDLE), TYPE C, 4; MUSCULAR DYSTROPHY, LIMB-GIRDLE, TYPE 2M. Identifiers: Orphanet 206554, MedGen C1969040, MONDO:0012699, OMIM 611588.
Muscular dystrophy-dystroglycanopathy (congenital with brain and eye anomalies), type A1 (MDDGA1). Also called: WALKER-WARBURG SYNDROME OR MUSCLE-EYE-BRAIN DISEASE, POMT1-RELATED; Hydrocephalus, agyria and retinal dysplasia; Hard +/- E syndrome; Warburg syndrome; Chemke syndrome; Pagon syndrome. Identifiers: Orphanet 588, Orphanet 899, MedGen C4284790, MONDO:0009364, OMIM 236670.
Dilated cardiomyopathy 1X (CMD1X). Also called: FKTN-Related Dilated Cardiomyopathy; CARDIOMYOPATHY, DILATED, WITH MILD OR NO PROXIMAL MUSCLE WEAKNESS. Identifiers: Orphanet 154, MedGen C1969024, MONDO:0012704, OMIM 611615.
Muscular dystrophy-dystroglycanopathy (congenital with brain and eye anomalies), type A, 4 (MDDGA4). Also called: Muscular dystrophy, congenital progressive, with mental retardation; Muscular dystrophy, congenital, with central nervous system involvement; Cerebromuscular dystrophy, Fukuyama type; Fukuyama congenital muscular dystrophy; Walker-Warburg Syndrome, Fktn-Related; Congenital muscular dystrophy-dystroglycanopathy with brain and eye anomalies, type A4. Identifiers: Orphanet 272, Orphanet 588, Orphanet 899, MedGen C0410174, MONDO:0009678, OMIM 253800.
Muscular dystrophy-dystroglycanopathy (congenital without impaired intellectual development), type B, 4. Also called: Muscular dystrophy-dystroglycanopathy (congenital without intellectual disability), type B4; MUSCULAR DYSTROPHY, CONGENITAL, FKTN-RELATED. Identifiers: MedGen C2751052, MONDO:0013156, OMIM 613152.

Allele frequency attached by ClinVar (database versions not stated): TOPMed 0.00004; gnomAD exomes 0.00005 and 0.00006; ExAC 0.00006; gnomAD 0.00006.
gnomAD v4.1: 78 of 1,591,508 alleles (0.0049%); highest among the groups gnomAD compares: Non-Finnish European, 0.0058%; no homozygotes.

Submissions (7):

Blueprint Genetics
Classification: Likely benign. Last evaluated: 2024-09-06. Review status: criteria provided, single submitter. Criteria: ACMG Guidelines, 2015. Collection method: clinical testing. Allele origin: germline.

Revvity Omics, Revvity
Classification: Uncertain significance. Last evaluated: 2024-03-18. Review status: criteria provided, single submitter. Criteria: ACMG Guidelines, 2015. Collection method: clinical testing. Allele origin: germline.

Ambry Genetics
Classification: Likely benign for Cardiovascular phenotype. Last evaluated: 2023-07-11. Review status: criteria provided, single submitter. Criteria: Ambry Variant Classification Scheme 2023. Collection method: clinical testing. Allele origin: germline.

Labcorp Genetics (formerly Invitae), Labcorp
Classification: Uncertain significance for Walker-Warburg congenital muscular dystrophy. Last evaluated: 2022-10-25. Review status: criteria provided, single submitter. Criteria: Invitae Variant Classification Sherloc (09022015). Collection method: clinical testing. Allele origin: germline.
Comment: This sequence change replaces asparagine, which is neutral and polar, with serine, which is neutral and polar, at codon 310 of the FKTN protein (p.Asn310Ser). This variant is present in population databases (rs776639304, gnomAD 0.01%). This variant has not been reported in the literature in individuals affected with FKTN-related conditions. ClinVar contains an entry for this variant (Variation ID: 238269). Advanced modeling of protein sequence and biophysical properties (such as structural, functional, and spatial information, amino acid conservation, physicochemical variation, residue mobility, and thermodynamic stability) performed at Invitae indicates that this missense variant is not expected to disrupt FKTN protein function. In summary, the available evidence is currently insufficient to determine the role of this variant in disease. Therefore, it has been classified as a Variant of Uncertain Significance.

Fulgent Genetics
Classification: Uncertain significance for Muscular dystrophy-dystroglycanopathy (congenital with brain and eye anomalies), type A1; Muscular dystrophy-dystroglycanopathy (congenital with brain and eye anomalies), type A, 4; Autosomal recessive limb-girdle muscular dystrophy type 2M; Dilated cardiomyopathy 1X; Muscular dystrophy-dystroglycanopathy (congenital without impaired intellectual development), type B, 4. Last evaluated: 2021-11-07. Review status: criteria provided, single submitter. Criteria: ACMG Guidelines, 2015. Collection method: clinical testing. Allele origin: unknown.

GeneDx
Classification: Uncertain significance. Last evaluated: 2020-02-14. Review status: criteria provided, single submitter. Criteria: GeneDx Variant Classification Process June 2021. Collection method: clinical testing. Allele origin: germline. Affected: yes.
Comment: Not observed at a significant frequency in large population cohorts (Lek et al., 2016); In silico analysis supports that this missense variant does not alter protein structure/function; Missense variants in nearby residues reported in the Human Gene Mutation Database (Stenson et al., 2014); Has not been previously published as pathogenic or benign to our knowledge

Natera, Inc.
Classification: Uncertain significance for Walker-Warburg congenital muscular dystrophy. Last evaluated: 2020-04-22. Review status: no assertion criteria provided. Collection method: clinical testing. Allele origin: germline. Not counted in ClinVar's aggregate classification.